The following is an entry in ClinVar:

NM_000057.4(BLM):c.3017T>A (p.Met1006Lys)

Gene: BLM (BLM RecQ like helicase; plus strand). Cytogenetic location: 15q26.1.
Variant type: single nucleotide variant.
Coding change: c.3017T>A on transcript NM_000057.4 (MANE Select); coding-DNA position 3017, T replaced by A.
Protein change: p.Met1006Lys; replaces methionine 1006 with lysine.
Molecular consequence: missense variant.
Genome position (GRCh38, 1-based): chr15:90,790,842, T>A. VCF-style: chr15-90790842-T-A. GRCh37 (hg19) VCF-style: chr15-91334072-T-A.
Other names: c.3017T>A (NM_000057.2); c.3017T>A, p.Met1006Lys (NM_001287246.2, NM_001287247.2); c.1892T>A, p.Met631Lys (NM_001287248.2); short protein forms M1006K, M631K.
Identifiers: ClinVar variation 1195932 (VCV001195932.6), dbSNP rs1896890020, ClinGen allele CA393846624.

ClinVar aggregate classification (germline): Uncertain significance. Review status: criteria provided, multiple submitters, no conflicts (2 of 4 stars). 2 submissions from 2 submitters: Uncertain significance (2). Last evaluated 2025-08-24.

Conditions:
Hereditary cancer-predisposing syndrome. Also called: Neoplastic Syndromes, Hereditary; Hereditary neoplastic syndrome; Hereditary Cancer Syndrome; Tumor predisposition. Identifiers: Orphanet 140162, MedGen C0027672, MeSH D009386, MONDO:0015356.
Bloom syndrome (BLM). Also called: Bloom-Torre-Machacek syndrome. Identifiers: Orphanet 125, MedGen C0005859, MONDO:0008876, OMIM 210900.

Submissions (2):

Ambry Genetics
Classification: Uncertain significance for Hereditary cancer-predisposing syndrome. Last evaluated: 2025-08-24. Review status: criteria provided, single submitter. Criteria: Ambry Variant Classification Scheme 2023. Collection method: clinical testing. Allele origin: germline.
Comment: The p.M1006K variant (also known as c.3017T>A), located in coding exon 14 of the BLM gene, results from a T to A substitution at nucleotide position 3017. The methionine at codon 1006 is replaced by lysine, an amino acid with similar properties. This amino acid position is poorly conserved in available vertebrate species. In addition, this alteration is predicted to be tolerated by in silico analysis. Since supporting evidence is limited at this time, the clinical significance of this alteration remains unclear.

Genome-Nilou Lab
Classification: Uncertain significance for Bloom syndrome. Last evaluated: 2021-07-14. Review status: criteria provided, single submitter. Criteria: ACMG Guidelines, 2015. Collection method: clinical testing. Allele origin: germline. Affected: no.